The following is an entry in ClinVar:

NM_005853.6(IRX5):c.887C>A (p.Pro296Gln)

Gene: IRX5 (iroquois homeobox 5; plus strand). Cytogenetic location: 16q12.2.
Variant type: single nucleotide variant.
Coding change: c.887C>A on transcript NM_005853.6 (MANE Select); coding-DNA position 887, C replaced by A.
Protein change: p.Pro296Gln; replaces proline 296 with glutamine.
Molecular consequence: missense variant.
Genome position (GRCh38, 1-based): chr16:54,933,308, C>A. VCF-style: chr16-54933308-C-A. GRCh37 (hg19) VCF-style: chr16-54967220-C-A.
Other names: c.887C>A (NM_005853.5); c.884C>A, p.Pro295Gln (NM_001252197.1); short protein forms P296Q, P295Q.
Identifiers: ClinVar variation 2042258 (VCV002042258.6), dbSNP rs1420140542, ClinGen allele CA396126351.

ClinVar aggregate classification (germline): Uncertain significance. Review status: criteria provided, multiple submitters, no conflicts (2 of 4 stars). 3 submissions from 3 submitters: Uncertain significance (3). Last evaluated 2025-07-25.

Conditions:
Inborn genetic diseases. Identifiers: MedGen C0950123, MeSH D030342.
IRX5-related disorder. Also called: IRX5-related condition.

Allele frequency attached by ClinVar (database versions not stated): TOPMed 0.00011; gnomAD 0.00013; 1000 Genomes Project 30x 0.00016.

Submissions (3):

PreventionGenetics, part of Exact Sciences
Classification: Uncertain significance for IRX5-related condition. Last evaluated: 2025-07-25. Review status: criteria provided, single submitter. Criteria: ACMG Guidelines, 2015. Collection method: clinical testing. Allele origin: germline.
Comment: The IRX5 c.887C>A variant is predicted to result in the amino acid substitution p.Pro296Gln. To our knowledge, this variant has not been reported in the literature. This variant is reported in 0.028% of alleles in individuals of European (Non-Finnish) descent in gnomAD. At this time, the clinical significance of this variant is uncertain due to the absence of conclusive functional and genetic evidence.

Labcorp Genetics (formerly Invitae), Labcorp
Classification: Uncertain significance. Last evaluated: 2022-06-26. Review status: criteria provided, single submitter. Criteria: Invitae Variant Classification Sherloc (09022015). Collection method: clinical testing. Allele origin: germline.
Comment: This sequence change replaces proline, which is neutral and non-polar, with glutamine, which is neutral and polar, at codon 296 of the IRX5 protein (p.Pro296Gln). This variant is present in population databases (no rsID available, gnomAD 0.03%). This variant has not been reported in the literature in individuals affected with IRX5-related conditions. Algorithms developed to predict the effect of missense changes on protein structure and function are either unavailable or do not agree on the potential impact of this missense change (SIFT: "Tolerated"; PolyPhen-2: "Not Available"; Align-GVGD: "Class C0"). In summary, the available evidence is currently insufficient to determine the role of this variant in disease. Therefore, it has been classified as a Variant of Uncertain Significance.

Ambry Genetics
Classification: Uncertain significance for Inborn genetic diseases. Last evaluated: 2021-09-16. Review status: criteria provided, single submitter. Criteria: Ambry Variant Classification Scheme 2023. Collection method: clinical testing. Allele origin: germline.